The following is an entry in ClinVar:

ClinVar aggregate classification (germline): Uncertain significance. Review status: criteria provided, multiple submitters, no conflicts (2 of 4 stars). 2 submissions from 2 submitters: Uncertain significance (2). Last evaluated 2024-01-30.

Allele frequency attached by ClinVar (database versions not stated): TOPMed below 0.00001; ExAC 0.00001.
gnomAD v4.1: 24 of 1,613,988 alleles (0.0015%); highest among the groups gnomAD compares: Non-Finnish European, 0.0019%; no homozygotes.

Submissions (2):

GeneDx
Classification: Uncertain significance. Last evaluated: 2024-01-30. Review status: criteria provided, single submitter. Criteria: GeneDx Variant Classification Process June 2021. Collection method: clinical testing. Allele origin: germline. Affected: yes.
Comment: In silico analysis supports that this missense variant has a deleterious effect on protein structure/function; Has not been previously published as pathogenic or benign to our knowledge

Labcorp Genetics (formerly Invitae), Labcorp
Classification: Uncertain significance. Last evaluated: 2023-09-06. Review status: criteria provided, single submitter. Criteria: Invitae Variant Classification Sherloc (09022015). Collection method: clinical testing. Allele origin: germline.
Comment: In summary, the available evidence is currently insufficient to determine the role of this variant in disease. Therefore, it has been classified as a Variant of Uncertain Significance. Advanced modeling of protein sequence and biophysical properties (such as structural, functional, and spatial information, amino acid conservation, physicochemical variation, residue mobility, and thermodynamic stability) performed at Invitae indicates that this missense variant is not expected to disrupt CHD8 protein function. This variant has not been reported in the literature in individuals affected with CHD8-related conditions. This variant is present in population databases (rs776351298, gnomAD 0.002%). This sequence change replaces glutamic acid, which is acidic and polar, with alanine, which is neutral and non-polar, at codon 2118 of the CHD8 protein (p.Glu2118Ala).

NM_001170629.2(CHD8):c.6353A>C (p.Glu2118Ala)

Gene: CHD8 (chromodomain helicase DNA binding protein 8; minus strand). Cytogenetic location: 14q11.2.
Variant type: single nucleotide variant.
Coding change: c.6353A>C on transcript NM_001170629.2 (MANE Select); coding-DNA position 6353, A replaced by C.
Protein change: p.Glu2118Ala; replaces glutamic acid 2118 with alanine.
Molecular consequence: missense variant.
Genome position (GRCh38, 1-based): chr14:21,393,221, T>G on the plus strand (A>C on the coding strand, the complement: CHD8 is on the minus strand). VCF-style: chr14-21393221-T-G. GRCh37 (hg19) VCF-style: chr14-21861380-T-G.
Other names: c.5516A>C, p.Glu1839Ala (NM_020920.4); c.6353A>C (NM_001170629.1); short protein forms E1839A, E2118A.
Identifiers: ClinVar variation 2882931 (VCV002882931.4), dbSNP rs776351298, ClinGen allele CA7090791.
Genomic context (GRCh38, chr14:21,393,221, plus strand): 5'-ATTTGTTCTCCATCTTCATTTGGGAATCCATCTTGGGACATAGTGAGGGACAGGAGACTC[T>G]CTTCATCATAGAGCTTTGAGCGGGACTGGTCAGCTGGTAAGAGAGCCCATAGAATGTGTG-3'
Protein context (NP_001164100.1, residues 2108-2128): DQSRSKLYDE[Glu2118Ala]SLLSLTMSQD